The following is an entry in ClinVar:

ClinVar aggregate classification (germline): Likely pathogenic (1 of 4 stars; one submission).

Conditions:
Developmental delay, behavioral abnormalities, and neuropsychiatric disorders (DEDBANP). Identifiers: MedGen C5774224, MONDO:0859292, OMIM 620065.

Submission:

Women's Health and Genetics/Laboratory Corporation of America, LabCorp
Classification: Likely pathogenic for Developmental delay, behavioral abnormalities, and neuropsychiatric disorders. Last evaluated: 2026-01-29. Review status: criteria provided, single submitter. Criteria: LabCorp Variant Classification Summary - May 2015. Collection method: clinical testing. Allele origin: germline.
Comment: Variant summary: ADGRL1 c.2165-1G>C is located in a canonical splice-site and is predicted to affect mRNA splicing resulting in a significantly altered protein due to either exon skipping, shortening, or inclusion of intronic material. Variants that disrupt the consensus splice site are a relatively common cause of aberrant splicing and loss of ADGRL1 function. Several computational tools predict a significant impact on normal splicing: Four predict the variant abolishes a 3' acceptor site. However, these predictions have yet to be confirmed by functional studies. The variant was absent in 250526 control chromosomes (gnomAD). To our knowledge, no occurrence of c.2165-1G>C in individuals affected with ADGRL1-related conditions and no experimental evidence demonstrating its impact on protein function have been reported. No submitters have cited clinical-significance assessments for this variant to ClinVar. Based on the evidence outlined above, the variant was classified as likely pathogenic.

NM_014921.5(ADGRL1):c.2150-1G>C

Genes: ADGRL1 (adhesion G protein-coupled receptor L1; minus strand), ADGRL1-AS1 (ADGRL1 antisense RNA 1; plus strand). Cytogenetic location: 19p13.12.
Variant type: single nucleotide variant.
Coding change: c.2150-1G>C on transcript NM_014921.5 (MANE Select); the canonical splice acceptor site of the intron before coding-DNA position 2150, G replaced by C.
Molecular consequence: splice acceptor variant.
Genome position (GRCh38, 1-based): chr19:14,158,553, C>G on the plus strand (G>C on the coding strand, the complement: ADGRL1 is on the minus strand). VCF-style: chr19-14158553-C-G. GRCh37 (hg19) VCF-style: chr19-14269365-C-G.
Other names: c.2165-1G>C (NM_001008701.3).
Identifiers: ClinVar variation 4689050 (VCV004689050.1).
Genomic context (GRCh38, chr19:14,158,553, plus strand): 5'-TCTCCGTGGACAGGAAGAGGCCCAGGTTGTTGTAGAGGATGAAGACAACTTTGACCACCC[C>G]TGGTGAGAACAGGCACGTTTGGATGTGTCAGCATCCTCAGCTGGCGCACCTCCATCCAGG-3'